The following is an entry in ClinVar:

ClinVar aggregate classification (germline): Uncertain significance. Review status: criteria provided, multiple submitters, no conflicts (2 of 4 stars). 2 submissions from 2 submitters: Uncertain significance (2). Last evaluated 2024-03-06.

Conditions:
Familial thoracic aortic aneurysm and aortic dissection (TAAD). Also called: Thoracic aortic aneurysms and dissections. Identifiers: Orphanet 91387, MedGen C4707243, MONDO:0019625.

Submissions (2):

Color Diagnostics, LLC DBA Color Health
Classification: Uncertain significance for Familial thoracic aortic aneurysm and aortic dissection. Last evaluated: 2024-03-06. Review status: criteria provided, single submitter. Criteria: ACMG Guidelines, 2015. Collection method: clinical testing. Allele origin: germline.
Comment: This missense variant replaces leucine with isoleucine at codon 351 of the MYH11 protein. Computational prediction suggests that this variant may not impact protein structure and function (internally defined REVEL score threshold <= 0.5, PMID: 27666373). To our knowledge, functional studies have not been reported for this variant. This variant has not been reported in individuals affected with MYH11-related disorders in the literature. This variant has not been identified in the general population by the Genome Aggregation Database (gnomAD). The available evidence is insufficient to determine the role of this variant in disease conclusively. Therefore, this variant is classified as a Variant of Uncertain Significance.

All of Us Research Program, National Institutes of Health
Classification: Uncertain significance for Familial thoracic aortic aneurysm and aortic dissection. Last evaluated: 2023-05-16. Review status: criteria provided, single submitter. Criteria: ACMG Guidelines, 2015. Collection method: clinical testing. Allele origin: germline. Inheritance: Autosomal dominant inheritance. Observed: 1 variant allele, 1 heterozygote.
Comment: This missense variant replaces leucine with isoleucine at codon 351 of the MYH11 protein. Computational prediction suggests that this variant may not impact protein structure and function (internally defined REVEL score threshold <= 0.5, PMID: 27666373). Splice site prediction tools suggest that this variant may not impact RNA splicing. To our knowledge, functional studies have not been performed for this variant. This variant has not been reported in individuals affected with cardiovascular disorders in the literature. This variant has not been identified in the general population by the Genome Aggregation Database (gnomAD). The available evidence is insufficient to determine the role of this variant in disease conclusively. Therefore, this variant is classified as a Variant of Uncertain Significance.

This study involves interpretation of variants in research participants for the purpose of population health screening. Participant phenotype was not available at the time of variant classification. Additional details can be found in publication PMID: 35346344, PMCID: PMC8962531

NM_002474.3(MYH11):c.1030C>A (p.Leu344Ile)

Gene: MYH11 (myosin heavy chain 11; minus strand). Cytogenetic location: 16p13.11.
Variant type: single nucleotide variant.
Coding change: c.1030C>A on transcript NM_002474.3 (MANE Select); coding-DNA position 1030, C replaced by A.
Protein change: p.Leu344Ile; replaces leucine 344 with isoleucine.
Molecular consequence: missense variant.
Genome position (GRCh38, 1-based): chr16:15,771,572, G>T on the plus strand (C>A on the coding strand, the complement: MYH11 is on the minus strand). VCF-style: chr16-15771572-G-T. GRCh37 (hg19) VCF-style: chr16-15865429-G-T.
Other names: c.1051C>A, p.Leu351Ile (NM_001040113.2, NM_001040114.2); c.1030C>A, p.Leu344Ile (NM_022844.3); short protein forms L351I, L344I.
Identifiers: ClinVar variation 920498 (VCV000920498.6), dbSNP rs2042101661, ClinGen allele CA394867479.